The following is an entry in ClinVar:

NM_001378452.1(ITPR1):c.1210A>G (p.Ile404Val)

Gene: ITPR1 (inositol 1,4,5-trisphosphate receptor type 1; plus strand). Cytogenetic location: 3p26.1.
Variant type: single nucleotide variant.
Coding change: c.1210A>G on transcript NM_001378452.1 (MANE Select); coding-DNA position 1210, A replaced by G.
Protein change: p.Ile404Val; replaces isoleucine 404 with valine.
Molecular consequence: missense variant.
Genome position (GRCh38, 1-based): chr3:4,661,046, A>G. VCF-style: chr3-4661046-A-G. GRCh37 (hg19) VCF-style: chr3-4702730-A-G.
Other names: c.1165A>G, p.Ile389Val (NM_001168272.2, NM_002222.7); c.1210A>G, p.Ile404Val (NM_001099952.4); short protein forms I389V, I404V.
Identifiers: ClinVar variation 3670102 (VCV003670102.2).

ClinVar aggregate classification (germline): Uncertain significance (1 of 4 stars; one submission).

gnomAD v4.1: 2 of 1,611,034 alleles (0.00012%); highest among the groups gnomAD compares: South Asian, 0.0022%; no homozygotes.

Submission:

Labcorp Genetics (formerly Invitae), Labcorp
Classification: Uncertain significance. Last evaluated: 2024-10-03. Review status: criteria provided, single submitter. Criteria: Invitae Variant Classification Sherloc (09022015). Collection method: clinical testing. Allele origin: germline.
Comment: This sequence change replaces isoleucine, which is neutral and non-polar, with valine, which is neutral and non-polar, at codon 389 of the ITPR1 protein (p.Ile389Val). This variant is present in population databases (rs776327984, gnomAD 0.007%). This variant has not been reported in the literature in individuals affected with ITPR1-related conditions. Invitae Evidence Modeling of protein sequence and biophysical properties (such as structural, functional, and spatial information, amino acid conservation, physicochemical variation, residue mobility, and thermodynamic stability) indicates that this missense variant is not expected to disrupt ITPR1 protein function with a negative predictive value of 95%. In summary, the available evidence is currently insufficient to determine the role of this variant in disease. Therefore, it has been classified as a Variant of Uncertain Significance.